The following is an entry in ClinVar:

ClinVar aggregate classification (germline): Uncertain significance. Review status: criteria provided, multiple submitters, no conflicts (2 of 4 stars). 3 submissions from 3 submitters: Uncertain significance (3). Last evaluated 2024-12-16.

Conditions:
Infantile myofibromatosis (IMF). Also called: Congenital generalized fibromatosis. Identifiers: Orphanet 2591, MedGen C0432284, MONDO:0016824.
Skeletal overgrowth-craniofacial dysmorphism-hyperelastic skin-white matter lesions syndrome. Also called: SKELETAL OVERGROWTH WITH FACIAL DYSMORPHISM, HYPERELASTIC SKIN, WHITE MATTER LESIONS, AND NEUROLOGIC DETERIORATION; Kosaki overgrowth syndrome. Identifiers: Orphanet 477831, MedGen C4225270, MONDO:0014704, OMIM 616592.
Acroosteolysis-keloid-like lesions-premature aging syndrome. Also called: Premature aging syndrome, Penttinen type; Prematurely aged appearance, delayed bone maturation, acro-osteolysis, and brachydactyly; Progeroid syndrome, Penttinen type. Identifiers: Orphanet 363665, MedGen C1866182, MONDO:0011150, OMIM 601812.
Basal ganglia calcification, idiopathic, 4 (PFBC4). Also called: Familial Idiopathic Basal Ganglia Calcification 4; PRIMARY FAMILIAL BRAIN CALCIFICATION 4, AUTOSOMAL DOMINANT. Identifiers: Orphanet 1980, MedGen C3554321, MONDO:0014004, OMIM 615007.
Inborn genetic diseases. Identifiers: MedGen C0950123, MeSH D030342.

Allele frequency attached by ClinVar (database versions not stated): TOPMed 0.00005; gnomAD 0.00001; gnomAD exomes 0.00001.

Submissions (3):

Ambry Genetics
Classification: Uncertain significance for Inborn genetic diseases. Last evaluated: 2024-12-16. Review status: criteria provided, single submitter. Criteria: Ambry Variant Classification Scheme 2023. Collection method: clinical testing. Allele origin: germline.

Labcorp Genetics (formerly Invitae), Labcorp
Classification: Uncertain significance for Basal ganglia calcification, idiopathic, 4; Skeletal overgrowth-craniofacial dysmorphism-hyperelastic skin-white matter lesions syndrome; Infantile myofibromatosis; Acroosteolysis-keloid-like lesions-premature aging syndrome. Last evaluated: 2024-04-17. Review status: criteria provided, single submitter. Criteria: Invitae Variant Classification Sherloc (09022015). Collection method: clinical testing. Allele origin: germline.
Comment: This sequence change replaces arginine, which is basic and polar, with tryptophan, which is neutral and slightly polar, at codon 113 of the PDGFRB protein (p.Arg113Trp). This variant is present in population databases (no rsID available, gnomAD 0.003%). This variant has not been reported in the literature in individuals affected with PDGFRB-related conditions. Advanced modeling of protein sequence and biophysical properties (such as structural, functional, and spatial information, amino acid conservation, physicochemical variation, residue mobility, and thermodynamic stability) performed at Invitae indicates that this missense variant is not expected to disrupt PDGFRB protein function with a negative predictive value of 80%. In summary, the available evidence is currently insufficient to determine the role of this variant in disease. Therefore, it has been classified as a Variant of Uncertain Significance.

GeneDx
Classification: Uncertain significance. Last evaluated: 2024-03-06. Review status: criteria provided, single submitter. Criteria: GeneDx Variant Classification Process June 2021. Collection method: clinical testing. Allele origin: germline. Affected: yes.
Comment: Not observed at significant frequency in large population cohorts (gnomAD); In silico analysis supports that this missense variant does not alter protein structure/function; Has not been previously published as pathogenic or benign to our knowledge

NM_002609.4(PDGFRB):c.337C>T (p.Arg113Trp)

Gene: PDGFRB (platelet derived growth factor receptor beta; minus strand). Cytogenetic location: 5q32.
Variant type: single nucleotide variant.
Coding change: c.337C>T on transcript NM_002609.4 (MANE Select); coding-DNA position 337, C replaced by T.
Protein change: p.Arg113Trp; replaces arginine 113 with tryptophan.
Molecular consequence: missense variant. On other transcripts: 5 prime UTR variant (1).
Genome position (GRCh38, 1-based): chr5:150,135,582, G>A on the plus strand (C>T on the coding strand, the complement: PDGFRB is on the minus strand). VCF-style: chr5-150135582-G-A. GRCh37 (hg19) VCF-style: chr5-149515145-G-A.
Other names: c.337C>T (NM_002609.3); c.145C>T, p.Arg49Trp (NM_001355016.2); c.-181C>T (NM_001355017.2); short protein forms R49W, R113W.
Identifiers: ClinVar variation 2945938 (VCV002945938.5), dbSNP rs968860845, ClinGen allele CA129070079.